The following is an entry in ClinVar:

ClinVar aggregate classification (germline): Uncertain significance. Review status: criteria provided, multiple submitters, no conflicts (2 of 4 stars). 2 submissions from 2 submitters: Uncertain significance (2). Last evaluated 2025-01-10.

Conditions:
Inborn genetic diseases. Identifiers: MedGen C0950123, MeSH D030342.

Allele frequency attached by ClinVar (database versions not stated): gnomAD exomes 0.00001; ESP Exome Variant Server 0.00008.
gnomAD v4.1: 21 of 1,614,014 alleles (0.0013%); highest among the groups gnomAD compares: Non-Finnish European, 0.0017%; no homozygotes.

Submissions (2):

Ambry Genetics
Classification: Uncertain significance for Inborn genetic diseases. Last evaluated: 2025-01-10. Review status: criteria provided, single submitter. Criteria: Ambry Variant Classification Scheme 2023. Collection method: clinical testing. Allele origin: germline.

Labcorp Genetics (formerly Invitae), Labcorp
Classification: Uncertain significance. Last evaluated: 2022-05-13. Review status: criteria provided, single submitter. Criteria: Invitae Variant Classification Sherloc (09022015). Collection method: clinical testing. Allele origin: germline.
Comment: This sequence change replaces aspartic acid, which is acidic and polar, with valine, which is neutral and non-polar, at codon 1029 of the MYO5B protein (p.Asp1029Val). This variant is present in population databases (rs377722632, gnomAD 0.1%). In summary, the available evidence is currently insufficient to determine the role of this variant in disease. Therefore, it has been classified as a Variant of Uncertain Significance. Algorithms developed to predict the effect of missense changes on protein structure and function are either unavailable or do not agree on the potential impact of this missense change (SIFT: "Deleterious"; PolyPhen-2: "Benign"; Align-GVGD: "Class C0"). This variant has not been reported in the literature in individuals affected with MYO5B-related conditions.

NM_001080467.3(MYO5B):c.3086A>T (p.Asp1029Val)

Genes: MYO5B (myosin VB; minus strand), LOC126862746 (CDK7 strongly-dependent group 2 enhancer GRCh37_chr18:47405587-47406786; plus strand). Cytogenetic location: 18q21.1.
Variant type: single nucleotide variant.
Coding change: c.3086A>T on transcript NM_001080467.3 (MANE Select); coding-DNA position 3086, A replaced by T.
Protein change: p.Asp1029Val; replaces aspartic acid 1029 with valine.
Molecular consequence: missense variant.
Genome position (GRCh38, 1-based): chr18:49,880,415, T>A on the plus strand (A>T on the coding strand, the complement: MYO5B is on the minus strand). VCF-style: chr18-49880415-T-A. GRCh37 (hg19) VCF-style: chr18-47406785-T-A.
Other names: c.3086A>T (NM_001080467.2); short protein forms D1029V.
Identifiers: ClinVar variation 1940768 (VCV001940768.6), dbSNP rs377722632, ClinGen allele CA299977867.
Genomic context (GRCh38, chr18:49,880,415, plus strand): 5'-GTGCTTTGGTACTTACCTTTAGACTGGCACAGGATTTGGTTGTTGAGCTGTTCTTTCTCA[T>A]CTTTCAAGAGAGCATTTTCTTGCTCCAGGTCTGCAACTCGCTGGAAGAGAGCAATAGGGG-3'
Protein context (NP_001073936.1, residues 1019-1039): DLEQENALLK[Asp1029Val]EKEQLNNQIL